The following is an entry in ClinVar:

ClinVar aggregate classification (germline): Uncertain significance (0 of 4 stars; one submission).

Conditions:
MBD5-related disorder. Also called: MBD5-related condition.

gnomAD v4.1: 7 of 1,613,810 alleles (0.00043%); highest among the groups gnomAD compares: Non-Finnish European, 0.00059%; no homozygotes.

Submission:

PreventionGenetics, part of Exact Sciences
Classification: Uncertain significance for MBD5-related condition. Last evaluated: 2024-09-04. Review status: no assertion criteria provided. Collection method: clinical testing. Allele origin: germline.
Comment: The MBD5 c.938C>A variant is predicted to result in the amino acid substitution p.Pro313Gln. To our knowledge, this variant has not been reported in the literature or in a large population database, indicating this variant is rare. At this time, the clinical significance of this variant is uncertain due to the absence of conclusive functional and genetic evidence.

NM_001378120.1(MBD5):c.938C>A (p.Pro313Gln)

Gene: MBD5 (methyl-CpG binding domain protein 5; plus strand). Cytogenetic location: 2q23.1.
Variant type: single nucleotide variant.
Coding change: c.938C>A on transcript NM_001378120.1 (MANE Select); coding-DNA position 938, C replaced by A.
Protein change: p.Pro313Gln; replaces proline 313 with glutamine.
Molecular consequence: missense variant.
Genome position (GRCh38, 1-based): chr2:148,468,881, C>A. VCF-style: chr2-148468881-C-A. GRCh37 (hg19) VCF-style: chr2-149226450-C-A.
Other names: c.938C>A, p.Pro313Gln (NM_018328.5); short protein forms P313Q.
Identifiers: ClinVar variation 3344113 (VCV003344113.1).
Genomic context (GRCh38, chr2:148,468,881, plus strand): 5'-GAAGGACTAATATACCTCTTTCCCCAACCTTGACTACAAAGAGTCCAGTAATGAAAAAAC[C>A]AATGTGTAATTTTTCAACTAATATGGAAATACCACGAGCAATGTTCCACCACAAACCACC-3'
Protein context (NP_001365049.1, residues 303-323): LTTKSPVMKK[Pro313Gln]MCNFSTNMEI